The following is an entry in ClinVar:

ClinVar aggregate classification (germline): Uncertain significance. Review status: criteria provided, multiple submitters, no conflicts (2 of 4 stars). 3 submissions from 3 submitters: Uncertain significance (3). Last evaluated 2024-11-05.

Conditions:
Inborn genetic diseases. Identifiers: MedGen C0950123, MeSH D030342.

Allele frequency attached by ClinVar (database versions not stated): gnomAD exomes 0.00002 and 0.00004; ExAC 0.00004; gnomAD 0.00006; TOPMed 0.00009; ESP Exome Variant Server 0.00017.
gnomAD v4.1: 37 of 1,609,752 alleles (0.0023%); highest among the groups gnomAD compares: African/African-American, 0.019%; no homozygotes.

Submissions (3):

Labcorp Genetics (formerly Invitae), Labcorp
Classification: Uncertain significance. Last evaluated: 2024-11-05. Review status: criteria provided, single submitter. Criteria: Invitae Variant Classification Sherloc (09022015). Collection method: clinical testing. Allele origin: germline.
Comment: This sequence change replaces threonine, which is neutral and polar, with methionine, which is neutral and non-polar, at codon 302 of the MTFMT protein (p.Thr302Met). This variant is present in population databases (rs372650779, gnomAD 0.02%). This variant has not been reported in the literature in individuals affected with MTFMT-related conditions. ClinVar contains an entry for this variant (Variation ID: 1216101). Invitae Evidence Modeling of protein sequence and biophysical properties (such as structural, functional, and spatial information, amino acid conservation, physicochemical variation, residue mobility, and thermodynamic stability) indicates that this missense variant is not expected to disrupt MTFMT protein function with a negative predictive value of 95%. In summary, the available evidence is currently insufficient to determine the role of this variant in disease. Therefore, it has been classified as a Variant of Uncertain Significance.

Ambry Genetics
Classification: Uncertain significance for Inborn genetic diseases. Last evaluated: 2022-02-02. Review status: criteria provided, single submitter. Criteria: Ambry Variant Classification Scheme 2023. Collection method: clinical testing. Allele origin: germline.

GeneDx
Classification: Uncertain significance. Last evaluated: 2019-04-30. Review status: criteria provided, single submitter. Criteria: GeneDx Variant Classification Process June 2021. Collection method: clinical testing. Allele origin: germline. Affected: yes.
Comment: Has not been previously published as pathogenic or benign to our knowledge; In silico analysis, which includes protein predictors and evolutionary conservation, supports that this variant does not alter protein structure/function

NM_139242.4(MTFMT):c.905C>T (p.Thr302Met)

Gene: MTFMT (mitochondrial methionyl-tRNA formyltransferase; minus strand). Cytogenetic location: 15q22.31.
Variant type: single nucleotide variant.
Coding change: c.905C>T on transcript NM_139242.4 (MANE Select); coding-DNA position 905, C replaced by T.
Protein change: p.Thr302Met; replaces threonine 302 with methionine.
Molecular consequence: missense variant.
Genome position (GRCh38, 1-based): chr15:65,004,924, G>A on the plus strand (C>T on the coding strand, the complement: MTFMT is on the minus strand). VCF-style: chr15-65004924-G-A. GRCh37 (hg19) VCF-style: chr15-65297262-G-A.
Other names: short protein forms T302M.
Identifiers: ClinVar variation 1216101 (VCV001216101.8), dbSNP rs372650779, ClinGen allele CA7613194.